The following is an entry in ClinVar:

ClinVar aggregate classification (germline): Uncertain significance (1 of 4 stars; one submission).

Submission:

GeneDx
Classification: Uncertain significance. Last evaluated: 2025-04-10. Review status: criteria provided, single submitter. Criteria: GeneDx Variant Classification Process June 2021. Collection method: clinical testing. Allele origin: germline. Affected: yes.
Comment: Not observed at significant frequency in large population cohorts (gnomAD); In silico analysis indicates that this missense variant does not alter protein structure/function; Has not been previously published as pathogenic or benign to our knowledge

NM_001127644.2(GABRA1):c.698G>C (p.Ser233Thr)

Gene: GABRA1 (gamma-aminobutyric acid type A receptor subunit alpha1; plus strand). Cytogenetic location: 5q34.
Variant type: single nucleotide variant.
Coding change: c.698G>C on transcript NM_001127644.2 (MANE Select); coding-DNA position 698, G replaced by C.
Protein change: p.Ser233Thr; replaces serine 233 with threonine.
Molecular consequence: missense variant.
Genome position (GRCh38, 1-based): chr5:161,882,696, G>C. VCF-style: chr5-161882696-G-C. GRCh37 (hg19) VCF-style: chr5-161309702-G-C.
Other names: c.698G>C, p.Ser233Thr (NM_000806.5, NM_001127643.2, NM_001127645.2 and 1 more transcripts); short protein forms S233T.
Identifiers: ClinVar variation 4281877 (VCV004281877.1).
Genomic context (GRCh38, chr5:161,882,696, plus strand): 5'-CACGTCTAAACCAGTATGACCTTCTTGGACAAACAGTAGACTCTGGAATTGTCCAGTCAA[G>C]TACAGGTAAGTACGATTTTGTTACTTCAGTTATGGAGGAAGAAGAAGAATAATATTTTGT-3'
Protein context (NP_001121116.1, residues 223-243): QTVDSGIVQS[Ser233Thr]TGEYVVMTTH